The following is an entry in ClinVar:

ClinVar aggregate classification (germline): Uncertain significance (1 of 4 stars; one submission).

Submission:

CeGaT Center for Human Genetics Tuebingen
Classification: Uncertain significance. Last evaluated: 2024-08-01. Review status: criteria provided, single submitter. Criteria: CeGaT Center For Human Genetics Tuebingen Variant Classification Criteria Version 2. Collection method: clinical testing. Allele origin: germline. Affected: yes. Observed: 2 variant alleles.
Comment: IRF2BPL: PM4:Supporting

NM_024496.4(IRF2BPL):c.660_662del (p.Ala223del)

Gene: IRF2BPL (interferon regulatory factor 2 binding protein like; minus strand). Cytogenetic location: 14q24.3.
Variant type: Deletion.
Coding change: c.660_662del on transcript NM_024496.4 (MANE Select); coding-DNA positions 660 to 662, 3 bases deleted (AGC; older notation c.660_662delAGC).
Protein change: p.Ala223del; deletes alanine 223.
Molecular consequence: inframe deletion.
Genome position (GRCh38, 1-based): chr14:77,027,131-77,027,133, GCT deleted on the plus strand (AGC on the coding strand, the reverse complement: IRF2BPL is on the minus strand); deleting any 3 consecutive bases within chr14:77,027,131-77,027,134 gives the same sequence; the c. name uses the placement nearest the transcript's 3' end. VCF-style (leftmost placement, unchanged base first): chr14-77027130-CGCT-C. GRCh37 (hg19) VCF-style: chr14-77493473-CGCT-C.
Other names: short protein forms A223del.
Identifiers: ClinVar variation 3342187 (VCV003342187.16).
Genomic context (GRCh38, chr14:77,027,130, plus strand): 5'-GTTGGGCAGCCCCGTAACCAGCCCACCGTGCGTTCCACGCCGAGACGCCACCGACGCCGC[CGCT>C]GAAGAAGAATTGGGGCTCTGACGGTTCAGCTCTGGGGGTCCCTCCTCTGGTGTTGGTTTG-3'